The following is an entry in ClinVar:

NM_001035.3(RYR2):c.11765A>G (p.Glu3922Gly)

Gene: RYR2 (ryanodine receptor 2; plus strand). Cytogenetic location: 1q43.
Variant type: single nucleotide variant.
Coding change: c.11765A>G on transcript NM_001035.3 (MANE Select); coding-DNA position 11765, A replaced by G.
Protein change: p.Glu3922Gly; replaces glutamic acid 3922 with glycine.
Molecular consequence: missense variant.
Genome position (GRCh38, 1-based): chr1:237,773,638, A>G. VCF-style: chr1-237773638-A-G. GRCh37 (hg19) VCF-style: chr1-237936938-A-G.
Other names: short protein forms E3922G.
Identifiers: ClinVar variation 1740636 (VCV001740636.6), dbSNP rs2527632752, ClinGen allele CA345408030.
Genomic context (GRCh38, chr1:237,773,638, plus strand): 5'-GACAACGGAATTTCTCCAAAGCTATCCAAGTGGCAAAACAAGTCTTTAACACTCTTACAG[A>G]GTATATTCAGGTAAACATTTAAACATGGCTGCTATCTGTAGCACTGAACTCCATAGAAAA-3'
Protein context (NP_001026.2, residues 3912-3932): VAKQVFNTLT[Glu3922Gly]YIQGPCTGNQ

ClinVar aggregate classification (germline): Uncertain significance. Review status: criteria provided, multiple submitters, no conflicts (2 of 4 stars). 2 submissions from 2 submitters: Uncertain significance (2). Last evaluated 2025-04-17.

Conditions:
Catecholaminergic polymorphic ventricular tachycardia 1. Also called: VENTRICULAR TACHYCARDIA, CATECHOLAMINERGIC POLYMORPHIC, 1, WITH OR WITHOUT ATRIAL DYSFUNCTION AND/OR DILATED CARDIOMYOPATHY; VENTRICULAR TACHYCARDIA, STRESS-INDUCED POLYMORPHIC 1; RYR2-Related Catecholaminergic Polymorphic Ventricular Tachycardia. Identifiers: Orphanet 3286, MedGen C1631597, MONDO:0011484, OMIM 604772.
Cardiovascular phenotype. Identifiers: MedGen CN230736.

Submissions (2):

Ambry Genetics
Classification: Uncertain significance for Cardiovascular phenotype. Last evaluated: 2025-04-17. Review status: criteria provided, single submitter. Criteria: Ambry Variant Classification Scheme 2023. Collection method: clinical testing. Allele origin: germline.
Comment: The p.E3922G variant (also known as c.11765A>G), located in coding exon 87 of the RYR2 gene, results from an A to G substitution at nucleotide position 11765. The glutamic acid at codon 3922 is replaced by glycine, an amino acid with similar properties. This amino acid position is highly conserved in available vertebrate species. In addition, this alteration is predicted to be deleterious by in silico analysis. Since supporting evidence is limited at this time, the clinical significance of this alteration remains unclear.

Labcorp Genetics (formerly Invitae), Labcorp
Classification: Uncertain significance for Catecholaminergic polymorphic ventricular tachycardia 1. Last evaluated: 2023-06-03. Review status: criteria provided, single submitter. Criteria: Invitae Variant Classification Sherloc (09022015). Collection method: clinical testing. Allele origin: germline.
Comment: Advanced modeling of protein sequence and biophysical properties (such as structural, functional, and spatial information, amino acid conservation, physicochemical variation, residue mobility, and thermodynamic stability) performed at Invitae indicates that this missense variant is expected to disrupt RYR2 protein function. In summary, the available evidence is currently insufficient to determine the role of this variant in disease. Therefore, it has been classified as a Variant of Uncertain Significance. ClinVar contains an entry for this variant (Variation ID: 1740636). This variant has not been reported in the literature in individuals affected with RYR2-related conditions. This variant is not present in population databases (gnomAD no frequency). This sequence change replaces glutamic acid, which is acidic and polar, with glycine, which is neutral and non-polar, at codon 3922 of the RYR2 protein (p.Glu3922Gly).